The following is an entry in ClinVar:

ClinVar aggregate classification (germline): Uncertain significance. Review status: criteria provided, multiple submitters, no conflicts (2 of 4 stars). 2 submissions from 2 submitters: Uncertain significance (2). Last evaluated 2025-04-07.

Conditions:
HPS1-related disorder. Also called: HPS1-related condition.
Inborn genetic diseases. Identifiers: MedGen C0950123, MeSH D030342.

Allele frequency attached by ClinVar (database versions not stated): TOPMed below 0.00001; gnomAD 0.00001; gnomAD exomes 0.00001; ESP Exome Variant Server 0.00008.

Submissions (2):

PreventionGenetics, part of Exact Sciences
Classification: Uncertain significance for HPS1-related condition. Last evaluated: 2025-04-07. Review status: criteria provided, single submitter. Criteria: ACMG Guidelines, 2015. Collection method: clinical testing. Allele origin: germline.
Comment: The HPS1 c.724C>T variant is predicted to result in premature protein termination (p.Gln242*). However, this variant results in a missense variant in the canonical HPS1 transcript (NM_000195.4, c.842C>T, p.Pro281Leu). To our knowledge, this variant has not been reported in the literature. This variant is reported in 0.0065% of alleles in individuals of European (Non-Finnish) descent in gnomAD. At this time, the clinical significance of this variant is uncertain due to the absence of conclusive functional and genetic evidence.

Ambry Genetics
Classification: Uncertain significance for Inborn genetic diseases. Last evaluated: 2024-01-30. Review status: criteria provided, single submitter. Criteria: Ambry Variant Classification Scheme 2023. Collection method: clinical testing. Allele origin: germline.

NM_000195.5(HPS1):c.842C>T (p.Pro281Leu)

Gene: HPS1 (HPS1 biogenesis of lysosomal organelles complex 3 subunit 1; minus strand). Cytogenetic location: 10q24.2.
Variant type: single nucleotide variant.
Coding change: c.842C>T on transcript NM_000195.5 (MANE Select); coding-DNA position 842, C replaced by T.
Protein change: p.Pro281Leu; replaces proline 281 with leucine.
Molecular consequence: missense variant. On other transcripts: 5 prime UTR variant (1), nonsense (1), intron variant (8).
Genome position (GRCh38, 1-based): chr10:98,429,816, G>A on the plus strand (C>T on the coding strand, the complement: HPS1 is on the minus strand). VCF-style: chr10-98429816-G-A. GRCh37 (hg19) VCF-style: chr10-100189573-G-A.
Other names: c.724C>T (NM_001322490.1); c.842C>T, p.Pro281Leu (NM_001322476.2, NM_001322477.2, NM_182639.4); c.581C>T, p.Pro194Leu (NM_001322480.2, NM_001322481.2); c.473C>T, p.Pro158Leu (NM_001322483.2, NM_001322484.2); c.-131C>T (NM_001322487.2); c.724C>T, p.Gln242Ter (NM_001322490.2); c.769-174C>T (NM_001322478.2, NM_001322479.2, NM_001322491.2); c.400-174C>T (NM_001322485.2); and 3 more; short protein forms P158L, P194L, P281L, Q242*.
Identifiers: ClinVar variation 3106824 (VCV003106824.2), dbSNP rs376957736, ClinGen allele CA212766539.